The following is an entry in ClinVar:

ClinVar aggregate classification (germline): Likely benign (0 of 4 stars; one submission).

Conditions:
TRIM44-related disorder. Also called: TRIM44-related condition.

Allele frequency attached by ClinVar (database versions not stated): TOPMed 0.00003; gnomAD 0.00009; gnomAD exomes 0.00018; ExAC 0.00031; 1000 Genomes Project 0.00100; 1000 Genomes Project 30x 0.00109.
gnomAD v4.1: 267 of 1,610,778 alleles (0.017%); highest among the groups gnomAD compares: South Asian, 0.28%; no homozygotes.

Submission:

PreventionGenetics, part of Exact Sciences
Classification: Likely benign for TRIM44-related condition. Last evaluated: 2019-06-07. Review status: no assertion criteria provided. Collection method: clinical testing. Allele origin: germline.
Comment: This variant is classified as likely benign based on ACMG/AMP sequence variant interpretation guidelines (Richards et al. 2015 PMID: 25741868, with internal and published modifications).

NM_017583.6(TRIM44):c.669+7A>G

Gene: TRIM44 (tripartite motif containing 44; plus strand). Cytogenetic location: 11p13.
Variant type: single nucleotide variant.
Coding change: c.669+7A>G on transcript NM_017583.6 (MANE Select); 7 bases into the intron after coding-DNA position 669, A replaced by G.
Molecular consequence: intron variant.
Genome position (GRCh38, 1-based): chr11:35,663,787, A>G. VCF-style: chr11-35663787-A-G. GRCh37 (hg19) VCF-style: chr11-35685335-A-G.
Identifiers: ClinVar variation 3044704 (VCV003044704.2), dbSNP rs561637328, ClinGen allele CA5948490.